The following is an entry in ClinVar:

ClinVar aggregate classification (germline): Likely pathogenic (1 of 4 stars; one submission).

Conditions:
Norman-Roberts syndrome (LIS2). Also called: Lissencephaly 2 (Norman-Roberts type). Identifiers: Orphanet 89844, MedGen C0796089, MONDO:0009760, OMIM 257320.
Familial temporal lobe epilepsy 7. Identifiers: Orphanet 101046, MedGen C4225327, MONDO:0014639, OMIM 616436.

Submission:

Labcorp Genetics (formerly Invitae), Labcorp
Classification: Likely pathogenic for Familial temporal lobe epilepsy 7; Norman-Roberts syndrome. Last evaluated: 2025-11-17. Review status: criteria provided, single submitter. Criteria: Invitae Variant Classification Sherloc (09022015). Collection method: clinical testing. Allele origin: germline.
Comment: This sequence change affects an acceptor splice site in intron 59 of the RELN gene. It is expected to disrupt RNA splicing. Variants that disrupt the donor or acceptor splice site typically lead to a loss of protein function (PMID: 16199547), and loss-of-function variants in RELN are known to be pathogenic (PMID: 10973257, 26046367, 28454995). This variant is not present in population databases (gnomAD no frequency). This variant has not been reported in the literature in individuals affected with RELN-related conditions. Algorithms developed to predict the effect of sequence changes on RNA splicing suggest that this variant may disrupt the consensus splice site. In summary, the currently available evidence indicates that the variant is pathogenic, but additional data are needed to prove that conclusively. Therefore, this variant has been classified as Likely Pathogenic.

Literature cited by the submitters: PubMed 16199547; PubMed 10973257; PubMed 26046367; PubMed 28454995.

NM_005045.4(RELN):c.9606-2A>G

Genes: SLC26A5-AS1 (SLC26A5 antisense RNA 1; plus strand), RELN (reelin; minus strand), LOC126860130 (BRD4-independent group 4 enhancer GRCh37_chr7:103130126-103131325; plus strand). Cytogenetic location: 7q22.1.
Variant type: single nucleotide variant.
Coding change: c.9606-2A>G on transcript NM_005045.4 (MANE Select); the canonical splice acceptor site of the intron before coding-DNA position 9606, A replaced by G.
Molecular consequence: splice acceptor variant.
Genome position (GRCh38, 1-based): chr7:103,489,901, T>C on the plus strand (A>G on the coding strand, the complement: RELN is on the minus strand). VCF-style: chr7-103489901-T-C. GRCh37 (hg19) VCF-style: chr7-103130348-T-C.
Other names: c.9606-2A>G (NM_173054.3).
Identifiers: ClinVar variation 4786728 (VCV004786728.1).
Genomic context (GRCh38, chr7:103,489,901, plus strand): 5'-TTGCCCAGCTTTGCTTCTCAGTTTCTTCTCCCTTCTGGATCCAGCGGAACTGTGTTGCAC[T>C]GAAAGAACCACAGAGAGCAGAAGGGATTCAGTAGGTTGTTACTTCCATGGCTGCATCCTG-3'